The following is an entry in ClinVar:

NM_001020658.2(PUM1):c.2065C>T (p.Leu689Phe)

Gene: PUM1 (pumilio RNA binding family member 1; minus strand). Cytogenetic location: 1p35.2.
Variant type: single nucleotide variant.
Coding change: c.2065C>T on transcript NM_001020658.2 (MANE Select); coding-DNA position 2065, C replaced by T.
Protein change: p.Leu689Phe; replaces leucine 689 with phenylalanine.
Molecular consequence: missense variant.
Genome position (GRCh38, 1-based): chr1:30,966,003, G>A on the plus strand (C>T on the coding strand, the complement: PUM1 is on the minus strand). VCF-style: chr1-30966003-G-A. GRCh37 (hg19) VCF-style: chr1-31438850-G-A.
Other names: c.2065C>T, p.Leu689Phe (NM_014676.3); short protein forms L689F.
Identifiers: ClinVar variation 4088003 (VCV004088003.2).
Genomic context (GRCh38, chr1:30,966,003, plus strand): 5'-TAAAATTCAGTCTTAAGAGCATATCAGTCTAATTTCTACCTGCTGTTCCAAACCCTCCAA[G>A]GGCGGATCCCAGGGTGGCGCCGAGAGAACTGCTACTTCCGAATCCCAAGGATGTGTTGGC-3'
Protein context (NP_001018494.1, residues 679-699): SSLGATLGSA[Leu689Phe]GGFGTAVANS

ClinVar aggregate classification (germline): Uncertain significance (1 of 4 stars; one submission).

Submission:

GeneDx
Classification: Uncertain significance. Last evaluated: 2025-12-30. Review status: criteria provided, single submitter. Criteria: GeneDx Variant Classification Process June 2021. Collection method: clinical testing. Allele origin: germline.
Comment: Not observed at significant frequency in large population cohorts (gnomAD); In silico analysis suggests that this missense variant does not alter protein structure/function; Has not been previously published as pathogenic or benign to our knowledge